The following is an entry in ClinVar:

NM_005591.4(MRE11):c.1784-2A>G

Gene: MRE11 (MRE11 double strand break repair nuclease; minus strand). Cytogenetic location: 11q21.
Variant type: single nucleotide variant.
Coding change: c.1784-2A>G on transcript NM_005591.4 (MANE Select); the canonical splice acceptor site of the intron before coding-DNA position 1784, A replaced by G.
Molecular consequence: splice acceptor variant. On other transcripts: intron variant (2).
Genome position (GRCh38, 1-based): chr11:94,445,895, T>C on the plus strand (A>G on the coding strand, the complement: MRE11 is on the minus strand). VCF-style: chr11-94445895-T-C. GRCh37 (hg19) VCF-style: chr11-94179061-T-C.
Other names: c.1784-5A>G (NM_001330347.2); c.1783+1324A>G (NM_005590.4).
Identifiers: ClinVar variation 481766 (VCV000481766.5), dbSNP rs201572020, ClinGen allele CA226523786.

ClinVar aggregate classification (germline): Likely pathogenic (1 of 4 stars; one submission).

Conditions:
Hereditary cancer-predisposing syndrome. Also called: Neoplastic Syndromes, Hereditary; Tumor predisposition; Hereditary Cancer Syndrome; Hereditary neoplastic syndrome. Identifiers: Orphanet 140162, MedGen C0027672, MeSH D009386, MONDO:0015356.

Allele frequency attached by ClinVar (database versions not stated): gnomAD exomes below 0.00001.
gnomAD v4.1: 1 of 1,611,954 alleles (0.000062%); highest among the groups gnomAD compares: Non-Finnish European, 0.000085%; no homozygotes.

Submission:

Ambry Genetics
Classification: Likely pathogenic for Hereditary cancer-predisposing syndrome. Last evaluated: 2016-09-28. Review status: criteria provided, single submitter. Criteria: Ambry Variant Classification Scheme 2023. Collection method: clinical testing. Allele origin: germline.
Comment: The c.1784-2A>G intronic variant results from an A to G substitution two nucleotides upstream from coding exon 15 in the MRE11A gene. This nucleotide position is well conserved in available vertebrate species. The BDGP splice prediction software does not produce a reliable prediction for the nearby native splice acceptor site, and the ESEfinder splice prediction software predicts that this alteration will abolish the native splice acceptor site; however, direct evidence is unavailable. Alterations that disrupt the canonical splice site are expected to cause aberrant splicing, resulting in an abnormal protein or a transcript that is subject to nonsense-mediated mRNA decay. As such, this alteration is classified as likely pathogenic.